The following is an entry in ClinVar:

ClinVar aggregate classification (germline): Conflicting classifications of pathogenicity. Review status: criteria provided, conflicting classifications (1 of 4 stars). 3 submissions from 3 submitters: Uncertain significance (1); Likely benign (2). Last evaluated 2025-06-18.

Conditions:
Hereditary cancer-predisposing syndrome. Also called: Neoplastic Syndromes, Hereditary; Hereditary Cancer Syndrome; Tumor predisposition; Hereditary neoplastic syndrome. Identifiers: Orphanet 140162, MedGen C0027672, MeSH D009386, MONDO:0015356.
DICER1-related tumor predisposition. Also called: DICER1 syndrome; DICER1-related pleuropulmonary blastoma cancer predisposition syndrome. Identifiers: Orphanet 284343, MedGen C3839822, MONDO:0100216.

Submissions (3):

Labcorp Genetics (formerly Invitae), Labcorp
Classification: Likely benign for DICER1-related tumor predisposition. Last evaluated: 2025-06-18. Review status: criteria provided, single submitter. Criteria: Invitae Variant Classification Sherloc (09022015). Collection method: clinical testing. Allele origin: germline.

Quest Diagnostics Nichols Institute San Juan Capistrano
Classification: Uncertain significance. Last evaluated: 2024-10-21. Review status: criteria provided, single submitter. Criteria: Quest Diagnostics criteria. Collection method: clinical testing. Allele origin: unknown.
Comment: The DICER1 c.4587T>C (p.Asn1529=) synonymous variant has not been reported in individuals with DICER1-related conditions in the published literature. It also has not been reported in large, multi-ethnic general populations (Genome Aggregation Database). Analysis of this variant using software algorithms for the prediction of the effect of nucleotide changes on splicing yielded predictions that this variant does not affect DICER1 mRNA splicing. Based on the available information, we are unable to determine the clinical significance of this variant.

Ambry Genetics
Classification: Likely benign for Hereditary cancer-predisposing syndrome. Last evaluated: 2023-04-23. Review status: criteria provided, single submitter. Criteria: Ambry Variant Classification Scheme 2023. Collection method: clinical testing. Allele origin: germline.

NM_177438.3(DICER1):c.4587T>C (p.Asn1529=)

Gene: DICER1 (dicer 1, ribonuclease III; minus strand). Cytogenetic location: 14q32.13.
Variant type: single nucleotide variant.
Coding change: c.4587T>C on transcript NM_177438.3 (MANE Select); coding-DNA position 4587, T replaced by C.
Protein change: p.Asn1529=; no amino-acid change (asparagine 1529 retained).
Molecular consequence: synonymous variant. On other transcripts: non-coding transcript variant (6).
Genome position (GRCh38, 1-based): chr14:95,096,333, A>G on the plus strand (T>C on the coding strand, the complement: DICER1 is on the minus strand). VCF-style: chr14-95096333-A-G. GRCh37 (hg19) VCF-style: chr14-95562670-A-G.
Other names: c.4587T>C, p.Asn1529= (NM_001395693.1, NM_001395694.1, NM_001395695.1 and 13 more transcripts); c.4182T>C, p.Asn1394= (NM_001395696.1, NM_001395687.1, NM_001395688.1 and 2 more transcripts); c.2904T>C, p.Asn968= (NM_001395697.1); c.4305T>C, p.Asn1435= (NM_001395686.1); c.4020T>C, p.Asn1340= (NM_001395691.1).
Identifiers: ClinVar variation 2566183 (VCV002566183.4), dbSNP rs2542494913, ClinGen allele CA487843874.